The following is an entry in ClinVar:

ClinVar aggregate classification (germline): Uncertain significance (1 of 4 stars; one submission).

Conditions:
Cardiovascular phenotype. Identifiers: MedGen CN230736.

Submission:

Ambry Genetics
Classification: Uncertain significance for Cardiovascular phenotype. Last evaluated: 2022-09-17. Review status: criteria provided, single submitter. Criteria: Ambry Variant Classification Scheme 2023. Collection method: clinical testing. Allele origin: germline.
Comment: The p.Q6P variant (also known as c.17A>C), located in coding exon 1 of the ABCA1 gene, results from an A to C substitution at nucleotide position 17. The glutamine at codon 6 is replaced by proline, an amino acid with similar properties. This amino acid position is conserved. In addition, this alteration is predicted to be deleterious by in silico analysis. Since supporting evidence is limited at this time, the clinical significance of this alteration remains unclear.

NM_005502.4(ABCA1):c.17A>C (p.Gln6Pro)

Gene: ABCA1 (ATP binding cassette subfamily A member 1; minus strand). Cytogenetic location: 9q31.1.
Variant type: single nucleotide variant.
Coding change: c.17A>C on transcript NM_005502.4 (MANE Select); coding-DNA position 17, A replaced by C.
Protein change: p.Gln6Pro; replaces glutamine 6 with proline.
Molecular consequence: missense variant.
Genome position (GRCh38, 1-based): chr9:104,903,663, T>G on the plus strand (A>C on the coding strand, the complement: ABCA1 is on the minus strand). VCF-style: chr9-104903663-T-G. GRCh37 (hg19) VCF-style: chr9-107665944-T-G.
Other names: short protein forms Q6P.
Identifiers: ClinVar variation 1780347 (VCV001780347.2), dbSNP rs2538409288, ClinGen allele CA374319067.
Genomic context (GRCh38, chr9:104,903,663, plus strand): 5'-CCCAAGCTTACTGTTTGTCTTCTTCTGAAAGTGAGGTTCTTCCACAGCAGCAACCTCAGC[T>G]GAGGCCAACAAGCCATGTTCCCTCAGCCAGCACCCCCAGCGTGTGGCTCGGGAGCCCTGG-3'
Protein context (NP_005493.2, residues 1-16): MACWP[Gln6Pro]LRLLLWKNLT